The following is an entry in ClinVar:

ClinVar aggregate classification (germline): Uncertain significance. Review status: criteria provided, multiple submitters, no conflicts (2 of 4 stars). 2 submissions from 2 submitters: Uncertain significance (2). Last evaluated 2025-06-17.

Conditions:
Hereditary breast ovarian cancer syndrome. Also called: Hereditary breast and ovarian cancer; Hereditary breast and ovarian cancer syndrome (HBOC); Breast and ovarian cancer; Hereditary breast and/or ovarian cancer syndrome; BRCA1- and BRCA2-Associated Hereditary Breast and Ovarian Cancer; Hereditary breast and ovarian cancer syndrome. Identifiers: Orphanet 145, MedGen C0677776, MeSH D061325, MONDO:0003582. Disease mechanism: loss of function.
Hereditary cancer-predisposing syndrome. Also called: Neoplastic Syndromes, Hereditary; Tumor predisposition; Hereditary Cancer Syndrome; Hereditary neoplastic syndrome. Identifiers: Orphanet 140162, MedGen C0027672, MeSH D009386, MONDO:0015356.

Submissions (3):

Ambry Genetics
Classification: Uncertain significance for Hereditary cancer-predisposing syndrome. Last evaluated: 2025-06-17. Review status: criteria provided, single submitter. Criteria: Ambry Variant Classification Scheme 2023. Collection method: clinical testing. Allele origin: germline.
Comment: The p.L1850P variant (also known as c.5549T>C), located in coding exon 22 of the BRCA1 gene, results from a T to C substitution at nucleotide position 5549. The leucine at codon 1850 is replaced by proline, an amino acid with similar properties. One functional study found that this nucleotide substitution is functional in a high throughput genome editing haploid cell survival assay (Findlay GM et al. Nature, 2018 Oct;562:217-222). This amino acid position is highly conserved in available vertebrate species. In addition, this alteration is predicted to be deleterious by in silico analysis. Based on the available evidence, the clinical significance of this variant remains unclear.

Labcorp Genetics (formerly Invitae), Labcorp
Classification: Uncertain significance for Hereditary breast ovarian cancer syndrome. Last evaluated: 2023-06-27. Review status: criteria provided, single submitter. Criteria: Invitae Variant Classification Sherloc (09022015). Collection method: clinical testing. Allele origin: germline.
Comment: This sequence change replaces leucine, which is neutral and non-polar, with proline, which is neutral and non-polar, at codon 1850 of the BRCA1 protein (p.Leu1850Pro). In summary, the available evidence is currently insufficient to determine the role of this variant in disease. Therefore, it has been classified as a Variant of Uncertain Significance. Advanced modeling performed at Invitae incorporating data from internal and/or published experimental studies (PMID: 30209399) indicates that this missense variant is not expected to disrupt BRCA1 function. ClinVar contains an entry for this variant (Variation ID: 867653). This variant has not been reported in the literature in individuals affected with BRCA1-related conditions. This variant is not present in population databases (gnomAD no frequency).

Brotman Baty Institute, University of Washington
No classification provided (evidence only). Condition: Breast-ovarian cancer, familial 1. Review status: no classification provided. Collection method: in vitro. Allele origin: not applicable. Functional consequence: functionally_normal. Not counted in ClinVar's aggregate classification.
ClinVar note: "not provided" was previously submitted as the classification for the variant. However, the classification appeared to be based only on an observation of functional data so it was converted to no classification on 2025-07-30.

Literature cited by the submitters: PubMed 30209399 (cited by Ambry Genetics and Labcorp Genetics (formerly Invitae), Labcorp).

NM_007294.4(BRCA1):c.5549T>C (p.Leu1850Pro)

Gene: BRCA1 (BRCA1 DNA repair associated; minus strand). Cytogenetic location: 17q21.31.
Variant type: single nucleotide variant.
Coding change: c.5549T>C on transcript NM_007294.4 (MANE Select); coding-DNA position 5549, T replaced by C.
Protein change: p.Leu1850Pro; replaces leucine 1850 with proline.
Molecular consequence: missense variant. On other transcripts: 3 prime UTR variant (1), non-coding transcript variant (1).
Genome position (GRCh38, 1-based): chr17:43,045,721, A>G on the plus strand (T>C on the coding strand, the complement: BRCA1 is on the minus strand). VCF-style: chr17-43045721-A-G. GRCh37 (hg19) VCF-style: chr17-41197738-A-G.
Other names: c.5336T>C, p.Leu1779Pro (NM_001407571.1, NM_001407894.1, NM_001407895.1 and 12 more transcripts); c.5615T>C, p.Leu1872Pro (NM_001407581.1, NM_001407582.1); c.5612T>C, p.Leu1871Pro (NM_001407583.1, NM_001407585.1, NM_001407587.1 and 1 more transcripts); c.5609T>C, p.Leu1870Pro (NM_001407590.1, NM_001407591.1); c.5549T>C, p.Leu1850Pro (NM_001407593.1, NM_001407594.1, NM_001407596.1 and 5 more transcripts); c.5546T>C, p.Leu1849Pro (NM_001407610.1, NM_001407621.1, NM_001407622.1 and 14 more transcripts); c.5543T>C, p.Leu1848Pro (NM_001407627.1, NM_001407628.1, NM_001407629.1 and 13 more transcripts); c.5540T>C, p.Leu1847Pro (NM_001407644.1, NM_001407645.1); and 74 more; short protein forms L1803P, L1850P, L1871P, L746P, L1738P, L1761P, L1779P, L1801P.
Identifiers: ClinVar variation 867653 (VCV000867653.5), dbSNP rs2050863562, ClinGen allele CA10590222.